The following is an entry in ClinVar:

ClinVar aggregate classification (germline): Uncertain significance. Review status: criteria provided, multiple submitters, no conflicts (2 of 4 stars). 2 submissions from 2 submitters: Uncertain significance (2). Last evaluated 2026-08-11.

Conditions:
ALDOB-related disorder. Also called: ALDOB-related condition.

gnomAD v4.1: 29 of 1,614,078 alleles (0.0018%); highest among the groups gnomAD compares: East Asian, 0.027%; 1 homozygote.

Submissions (2):

PreventionGenetics, part of Exact Sciences
Classification: Uncertain significance for ALDOB-related condition. Last evaluated: 2026-08-11. Review status: criteria provided, single submitter. Criteria: ACMG Guidelines, 2015. Collection method: clinical testing. Allele origin: germline.
Comment: The ALDOB c.1037C>T variant is predicted to result in the amino acid substitution p.Thr346Met. To our knowledge, this variant has not been reported in the literature. This variant is reported in 0.017% of alleles in individuals of Latino descent in gnomAD. At this time, the clinical significance of this variant is uncertain due to the absence of conclusive functional and genetic evidence.

Mayo Clinic Laboratories, Mayo Clinic
Classification: Uncertain significance. Last evaluated: 2025-01-27. Review status: criteria provided, single submitter. Criteria: ACMG Guidelines, 2015. Collection method: clinical testing. Allele origin: germline. Observed: 1 variant allele.
Comment: BP4_moderate, PM2_supporting

NM_000035.4(ALDOB):c.1037C>T (p.Thr346Met)

Gene: ALDOB (aldolase, fructose-bisphosphate B; minus strand). Cytogenetic location: 9q31.1.
Variant type: single nucleotide variant.
Coding change: c.1037C>T on transcript NM_000035.4 (MANE Select); coding-DNA position 1037, C replaced by T.
Protein change: p.Thr346Met; replaces threonine 346 with methionine.
Molecular consequence: missense variant.
Genome position (GRCh38, 1-based): chr9:101,421,867, G>A on the plus strand (C>T on the coding strand, the complement: ALDOB is on the minus strand). VCF-style: chr9-101421867-G-A. GRCh37 (hg19) VCF-style: chr9-104184149-G-A.
Other names: p.Thr346Met; c.1037C>T (NM_000035.3); short protein forms T346M.
Identifiers: ClinVar variation 4541457 (VCV004541457.2).